The following is an entry in ClinVar:

ClinVar aggregate classification (germline): Pathogenic/Likely pathogenic. Review status: criteria provided, multiple submitters, no conflicts (2 of 4 stars). 2 submissions from 2 submitters: Pathogenic (1); Likely pathogenic (1). Last evaluated 2025-05-16.

Allele frequency attached by ClinVar (database versions not stated): ExAC 0.00001; gnomAD 0.00001; gnomAD exomes 0.00002.
gnomAD v4.1: 32 of 1,608,484 alleles (0.002%); highest among the groups gnomAD compares: Admixed American, 0.0051%; no homozygotes.

Submissions (2):

GeneDx
Classification: Likely pathogenic. Last evaluated: 2025-05-16. Review status: criteria provided, single submitter. Criteria: GeneDx Variant Classification Process June 2021. Collection method: clinical testing. Allele origin: germline. Affected: yes.
Comment: Nonsense variant in the C-terminus predicted to result in protein truncation, as the last 37 amino acids are lost, and other loss-of-function variants have been reported downstream in the Human Gene Mutation Database (HGMD); Not observed at significant frequency in large population cohorts (gnomAD); Has not been previously published as pathogenic or benign to our knowledge

Labcorp Genetics (formerly Invitae), Labcorp
Classification: Pathogenic. Last evaluated: 2023-07-21. Review status: criteria provided, single submitter. Criteria: Invitae Variant Classification Sherloc (09022015). Collection method: clinical testing. Allele origin: germline.
Comment: This sequence change creates a premature translational stop signal (p.Gln162*) in the DNAJC12 gene. While this is not anticipated to result in nonsense mediated decay, it is expected to disrupt the last 37 amino acid(s) of the DNAJC12 protein. This variant is present in population databases (rs753374676, gnomAD 0.006%). This variant has not been reported in the literature in individuals affected with DNAJC12-related conditions. This variant disrupts a region of the DNAJC12 protein in which other variant(s) (p.Trp175*) have been determined to be pathogenic (PMID: 30626930, 32333439). This suggests that this is a clinically significant region of the protein, and that variants that disrupt it are likely to be disease-causing. For these reasons, this variant has been classified as Pathogenic.

Literature cited by the submitters: PubMed 30626930 (cited by Labcorp Genetics (formerly Invitae), Labcorp); PubMed 32333439 (cited by Labcorp Genetics (formerly Invitae), Labcorp).

NM_021800.3(DNAJC12):c.484C>T (p.Gln162Ter)

Gene: DNAJC12 (DnaJ heat shock protein family (Hsp40) member C12; minus strand). Cytogenetic location: 10q21.3.
Variant type: single nucleotide variant.
Coding change: c.484C>T on transcript NM_021800.3 (MANE Select); coding-DNA position 484, C replaced by T.
Protein change: p.Gln162Ter; replaces glutamine 162 with a stop codon.
Molecular consequence: nonsense.
Genome position (GRCh38, 1-based): chr10:67,805,601, G>A on the plus strand (C>T on the coding strand, the complement: DNAJC12 is on the minus strand). VCF-style: chr10-67805601-G-A. GRCh37 (hg19) VCF-style: chr10-69565359-G-A.
Other names: c.484C>T (NM_021800.2); short protein forms Q162*.
Identifiers: ClinVar variation 2990876 (VCV002990876.4), dbSNP rs753374676, ClinGen allele CA5520799.